The following is an entry in ClinVar:

NM_000388.4(CASR):c.1913G>C (p.Arg638Pro)

Gene: CASR (calcium sensing receptor; plus strand). Cytogenetic location: 3q21.1.
Variant type: single nucleotide variant.
Coding change: c.1913G>C on transcript NM_000388.4 (MANE Select); coding-DNA position 1913, G replaced by C.
Protein change: p.Arg638Pro; replaces arginine 638 with proline.
Molecular consequence: missense variant.
Genome position (GRCh38, 1-based): chr3:122,283,867, G>C. VCF-style: chr3-122283867-G-C. GRCh37 (hg19) VCF-style: chr3-122002714-G-C.
Other names: c.1943G>C, p.Arg648Pro (NM_001178065.2); short protein forms R638P, R648P.
Identifiers: ClinVar variation 3759576 (VCV003759576.2).

ClinVar aggregate classification (germline): Uncertain significance (1 of 4 stars; one submission).

Conditions:
Autosomal dominant hypocalcemia 1 (HYPOC1). Also called: HYPOCALCEMIA, FAMILIAL. Identifiers: MedGen C3715128, MONDO:0011013, OMIM 601198.
Familial hypocalciuric hypercalcemia (FHH). Also called: Familial benign hypercalcemia. Identifiers: Orphanet 405, MedGen C1809471, MONDO:0018458.

Submission:

Labcorp Genetics (formerly Invitae), Labcorp
Classification: Uncertain significance for Familial hypocalciuric hypercalcemia; Autosomal dominant hypocalcemia 1. Last evaluated: 2024-10-24. Review status: criteria provided, single submitter. Criteria: Invitae Variant Classification Sherloc (09022015). Collection method: clinical testing. Allele origin: germline.
Comment: This sequence change replaces arginine, which is basic and polar, with proline, which is neutral and non-polar, at codon 638 of the CASR protein (p.Arg638Pro). This variant is not present in population databases (gnomAD no frequency). This variant has not been reported in the literature in individuals affected with CASR-related conditions. An algorithm developed to predict the effect of missense changes on protein structure and function (PolyPhen-2) suggests that this variant is likely to be disruptive. In summary, the available evidence is currently insufficient to determine the role of this variant in disease. Therefore, it has been classified as a Variant of Uncertain Significance.